The following is an entry in ClinVar:

NM_130839.5(UBE3A):c.307A>G (p.Asn103Asp)

Genes: SNHG14 (small nucleolar RNA host gene 14; plus strand), UBE3A (ubiquitin protein ligase E3A; minus strand). Cytogenetic location: 15q11.2.
Variant type: single nucleotide variant.
Coding change: c.307A>G on transcript NM_130839.5 (MANE Select); coding-DNA position 307, A replaced by G.
Protein change: p.Asn103Asp; replaces asparagine 103 with aspartic acid.
Molecular consequence: missense variant. On other transcripts: non-coding transcript variant (1).
Genome position (GRCh38, 1-based): chr15:25,375,519, T>C on the plus strand (A>G on the coding strand, the complement: UBE3A is on the minus strand). VCF-style: chr15-25375519-T-C. GRCh37 (hg19) VCF-style: chr15-25620666-T-C.
Other names: c.247A>G, p.Asn83Asp (NM_001354547.2, NM_001354548.2, NM_001354549.2 and 18 more transcripts); c.307A>G, p.Asn103Asp (NM_001354550.2, NM_001354505.1, NM_001354538.2 and 1 more transcripts); c.316A>G, p.Asn106Asp (NM_000462.5); c.130A>G, p.Asn44Asp (NM_001354546.2); short protein forms N103D, N106D, N44D, N83D.
Identifiers: ClinVar variation 1311250 (VCV001311250.5), dbSNP rs2081069977, ClinGen allele CA391356172.

ClinVar aggregate classification (germline): Uncertain significance. Review status: criteria provided, multiple submitters, no conflicts (2 of 4 stars). 2 submissions from 2 submitters: Uncertain significance (2). Last evaluated 2024-11-27.

Conditions:
Angelman syndrome (AS). Also called: HAPPY PUPPET SYNDROME. Identifiers: Orphanet 72, MedGen C0162635, MONDO:0007113, OMIM 105830. Disease mechanism: loss of function. Inheritance: AS is caused by disruption of maternally imprinted UBE3A located within the 15q11.2-q13 Angelman syndrome/Prader-Willi syndrome (AS/PWS) region., imprinting disorder.

Allele frequency attached by ClinVar (database versions not stated): TOPMed below 0.00001.

Submissions (2):

Labcorp Genetics (formerly Invitae), Labcorp
Classification: Uncertain significance for Angelman syndrome. Last evaluated: 2024-11-27. Review status: criteria provided, single submitter. Criteria: Invitae Variant Classification Sherloc (09022015). Collection method: clinical testing. Allele origin: germline.
Comment: This sequence change replaces asparagine, which is neutral and polar, with aspartic acid, which is acidic and polar, at codon 83 of the UBE3A protein (p.Asn83Asp). This variant is not present in population databases (gnomAD no frequency). This variant has not been reported in the literature in individuals affected with UBE3A-related conditions. ClinVar contains an entry for this variant (Variation ID: 1311250). Invitae Evidence Modeling of protein sequence and biophysical properties (such as structural, functional, and spatial information, amino acid conservation, physicochemical variation, residue mobility, and thermodynamic stability) has been performed for this missense variant. However, the output from this modeling did not meet the statistical confidence thresholds required to predict the impact of this variant on UBE3A protein function. In summary, the available evidence is currently insufficient to determine the role of this variant in disease. Therefore, it has been classified as a Variant of Uncertain Significance.

GeneDx
Classification: Uncertain significance. Last evaluated: 2019-12-30. Review status: criteria provided, single submitter. Criteria: GeneDx Variant Classification Process June 2021. Collection method: clinical testing. Allele origin: germline. Affected: yes.
Comment: The majority of missense variants in this gene are considered pathogenic (Stenson et al., 2014); Not observed in large population cohorts (Lek et al., 2016); Has not been previously published as pathogenic or benign to our knowledge; In silico analysis, which includes protein predictors and evolutionary conservation, supports that this variant does not alter protein structure/function